The following is an entry in ClinVar:

NM_001267550.2(TTN):c.56275_56276dup (p.Gly18760fs)

Genes: TTN-AS1 (TTN antisense RNA 1; plus strand), TTN (titin; minus strand). Cytogenetic location: 2q31.2.
Variant type: Microsatellite.
Coding change: c.56275_56276dup on transcript NM_001267550.2 (MANE Select); coding-DNA positions 56275 to 56276, 2 bases duplicated (AC; older notation c.56275_56276dupAC).
Protein change: p.Gly18760fs; shifts the reading frame from glycine 18760.
Molecular consequence: frameshift variant. On other transcripts: non-coding transcript variant (1).
Genome position (GRCh38, 1-based): chr2:178,599,625-178,599,626, GT duplicated on the plus strand (AC on the coding strand, the reverse complement: TTN is on the minus strand); duplicating any 2 consecutive bases within chr2:178,599,625-178,599,628 gives the same sequence; the c. name uses the placement nearest the transcript's 3' end. VCF-style (leftmost placement, unchanged base first): chr2-178599624-A-AGT. GRCh37 (hg19) VCF-style: chr2-179464351-A-AGT.
Other names: c.51352_51353dup, p.Gly17119fs (NM_001256850.1); c.29080_29081dup, p.Gly9695fs (NM_003319.4); c.48571_48572dup, p.Gly16192fs (NM_133378.4); c.29455_29456dup, p.Gly9820fs (NM_133432.3); c.29656_29657dup, p.Gly9887fs (NM_133437.4); short protein forms G16192fs, G9820fs, G17119fs, G18760fs, G9887fs, G9695fs.
Identifiers: ClinVar variation 2921931 (VCV002921931.3), dbSNP rs2469901730, ClinGen allele CA2740096087.
Genomic context (GRCh38, chr2:178,599,624, plus strand): 5'-CAGTCTCATCTCCTTTGATGCTGTTCCCAGATTATTTACAGCTGTGATGGTATATAAGCC[A>AGT]GTGTCACTCCTGCGAGACTGCGGAATAACTAAAGTGCAAGTATCATCTACCACCAGTTTG-3'

ClinVar aggregate classification (germline): Likely pathogenic (1 of 4 stars; one submission).

Conditions:
Dilated cardiomyopathy 1G (CMD1G). Identifiers: Orphanet 154, MedGen C1858763, MONDO:0011400, OMIM 604145.
Autosomal recessive limb-girdle muscular dystrophy type 2J (LGMDR10). Also called: Limb-girdle muscular dystrophy, type 2J; MUSCULAR DYSTROPHY, LIMB-GIRDLE, AUTOSOMAL RECESSIVE 10. Identifiers: Orphanet 140922, MedGen C1837342, MONDO:0012127, OMIM 608807.

Submission:

Labcorp Genetics (formerly Invitae), Labcorp
Classification: Likely pathogenic for Dilated cardiomyopathy 1G; Autosomal recessive limb-girdle muscular dystrophy type 2J. Last evaluated: 2024-01-04. Review status: criteria provided, single submitter. Criteria: Invitae Variant Classification Sherloc (09022015). Collection method: clinical testing. Allele origin: germline.
Comment: This sequence change creates a premature translational stop signal (p.Gly18760Leufs*9) in the TTN gene. While this is not anticipated to result in nonsense mediated decay, it is expected to create a truncated TTN protein. This variant is not present in population databases (gnomAD no frequency). This variant has not been reported in the literature in individuals affected with TTN-related conditions. Algorithms developed to predict the effect of sequence changes on RNA splicing suggest that this variant may disrupt the consensus splice site. This variant is located in the A band of TTN (PMID: 25589632). Truncating variants in this region are significantly overrepresented in patients affected with dilated cardiomyopathy (PMID: 25589632). Truncating variants in this region have also been reported in individuals affected with autosomal recessive centronuclear myopathy (PMID: 23975875). In summary, the currently available evidence indicates that the variant is pathogenic, but additional data are needed to prove that conclusively. Therefore, this variant has been classified as Likely Pathogenic.

Literature cited by the submitters: PubMed 25589632; PubMed 23975875.